The following is an entry in ClinVar:

NM_024298.5(MBOAT7):c.546C>T (p.Pro182=)

Gene: MBOAT7 (membrane bound acylglycerophosphatidylinositol O-acyltransferase MBOAT7; minus strand). Cytogenetic location: 19q13.42.
Variant type: single nucleotide variant.
Coding change: c.546C>T on transcript NM_024298.5 (MANE Select); coding-DNA position 546, C replaced by T.
Protein change: p.Pro182=; no amino-acid change (proline 182 retained).
Molecular consequence: synonymous variant.
Genome position (GRCh38, 1-based): chr19:54,181,081, G>A on the plus strand (C>T on the coding strand, the complement: MBOAT7 is on the minus strand). VCF-style: chr19-54181081-G-A. GRCh37 (hg19) VCF-style: chr19-54684798-G-A.
Other names: c.327C>T, p.Pro109= (NM_001146056.3, NM_001146083.3); c.546C>T, p.Pro182= (NM_001146082.3).
Identifiers: ClinVar variation 1175951 (VCV001175951.36), dbSNP rs754522503, ClinGen allele CA309346673.

ClinVar aggregate classification (germline): Likely benign. Review status: criteria provided, multiple submitters, no conflicts (2 of 4 stars). 2 submissions from 2 submitters: Likely benign (2). Last evaluated 2025-12-01.

Allele frequency attached by ClinVar (database versions not stated): gnomAD exomes 0.00025; TOPMed 0.00033; gnomAD 0.00035; ExAC 0.00043.
gnomAD v4.1: 752 of 1,525,134 alleles (0.049%); highest among the groups gnomAD compares: Non-Finnish European, 0.06%; no homozygotes.

Submissions (2):

CeGaT Center for Human Genetics Tuebingen
Classification: Likely benign. Last evaluated: 2025-12-01. Review status: criteria provided, single submitter. Criteria: CeGaT Center For Human Genetics Tuebingen Variant Classification Criteria Version 2. Collection method: clinical testing. Allele origin: germline. Affected: yes. Observed: 7 variant alleles.
Comment: MBOAT7: BP4, BP7

Blueprint Genetics
Classification: Likely benign. Last evaluated: 2024-11-25. Review status: criteria provided, single submitter. Criteria: ACMG Guidelines, 2015. Collection method: clinical testing. Allele origin: germline.